The following is an entry in ClinVar:

ClinVar aggregate classification (germline): Uncertain significance (1 of 4 stars; one submission).

Submission:

Labcorp Genetics (formerly Invitae), Labcorp
Classification: Uncertain significance. Last evaluated: 2025-12-17. Review status: criteria provided, single submitter. Criteria: Invitae Variant Classification Sherloc (09022015). Collection method: clinical testing. Allele origin: germline.
Comment: This sequence change replaces serine, which is neutral and polar, with arginine, which is basic and polar, at codon 1457 of the CACNA1D protein (p.Ser1457Arg). This variant is not present in population databases (gnomAD no frequency). This variant has not been reported in the literature in individuals affected with CACNA1D-related conditions. Invitae Evidence Modeling of protein sequence and biophysical properties (such as structural, functional, and spatial information, amino acid conservation, physicochemical variation, residue mobility, and thermodynamic stability) has been performed for this missense variant. However, the output from this modeling did not meet the statistical confidence thresholds required to predict the impact of this variant on CACNA1D protein function. Algorithms developed to predict the effect of sequence changes on RNA splicing suggest that this variant may disrupt the consensus splice site. In summary, the available evidence is currently insufficient to determine the role of this variant in disease. Therefore, it has been classified as a Variant of Uncertain Significance.

NM_001128840.3(CACNA1D):c.4311C>A (p.Ser1437Arg)

Gene: CACNA1D (calcium voltage-gated channel subunit alpha1 D; plus strand). Cytogenetic location: 3p21.1.
Variant type: single nucleotide variant.
Coding change: c.4311C>A on transcript NM_001128840.3 (MANE Select); coding-DNA position 4311, C replaced by A.
Protein change: p.Ser1437Arg; replaces serine 1437 with arginine.
Molecular consequence: missense variant.
Genome position (GRCh38, 1-based): chr3:53,775,994, C>A. VCF-style: chr3-53775994-C-A. GRCh37 (hg19) VCF-style: chr3-53810021-C-A.
Other names: c.4371C>A, p.Ser1457Arg (NM_000720.4); c.4266C>A, p.Ser1422Arg (NM_001128839.3); short protein forms S1437R, S1422R, S1457R.
Identifiers: ClinVar variation 4745865 (VCV004745865.1).